The following is an entry in ClinVar:

NM_018979.4(WNK1):c.5002T>G (p.Ser1668Ala)

Gene: WNK1 (WNK lysine deficient protein kinase 1; plus strand). Cytogenetic location: 12p13.33.
Variant type: single nucleotide variant.
Coding change: c.5002T>G on transcript NM_018979.4 (MANE Select); coding-DNA position 5002, T replaced by G.
Protein change: p.Ser1668Ala; replaces serine 1668 with alanine.
Molecular consequence: missense variant.
Genome position (GRCh38, 1-based): chr12:885,806, T>G. VCF-style: chr12-885806-T-G. GRCh37 (hg19) VCF-style: chr12-994972-T-G.
Other names: c.5782T>G, p.Ser1928Ala (NM_001184985.2); c.4261T>G, p.Ser1421Ala (NM_014823.3); c.5758T>G, p.Ser1920Ala (NM_213655.5); c.5002T>G (NM_018979.3); short protein forms S1668A, S1920A, S1928A, S1421A.
Identifiers: ClinVar variation 939958 (VCV000939958.12), dbSNP rs371813651, ClinGen allele CA6383055.
Genomic context (GRCh38, chr12:885,806, plus strand): 5'-GGAATTGATGACATAAAGACTCTAGAAGAAAAGCTGCGGTCTCTGTTCAGTGAACACAGC[T>G]CATCTGGAGCTCAGCATGCCTCTGTCTCACTGGAGACCTCACTAGTCATAGAGAGCACTG-3'
Protein context (NP_061852.3, residues 1658-1678): KLRSLFSEHS[Ser1668Ala]SGAQHASVSL

ClinVar aggregate classification (germline): Uncertain significance. Review status: criteria provided, multiple submitters, no conflicts (2 of 4 stars). 3 submissions from 3 submitters: Uncertain significance (3). Last evaluated 2025-10-16.

Conditions:
Neuropathy, hereditary sensory and autonomic, type 2A (HSAN2A). Also called: MORVAN DISEASE; NEUROPATHY, CONGENITAL SENSORY; NEUROPATHY, HEREDITARY SENSORY RADICULAR, AUTOSOMAL RECESSIVE; NEUROPATHY, HEREDITARY SENSORY, TYPE IIA; NEUROPATHY, PROGRESSIVE SENSORY, OF CHILDREN; ACROOSTEOLYSIS, GIACCAI TYPE. Identifiers: Orphanet 970, MedGen C2752089, MONDO:0024309, OMIM 201300.
Pseudohypoaldosteronism type 2C (PHA2C). Also called: Pseudohypoaldosteronism Type IIC. Identifiers: Orphanet 757, Orphanet 88940, MedGen C1840391, MONDO:0013778, OMIM 614492.
WNK1-related disorder. Also called: WNK1-related condition.

Allele frequency attached by ClinVar (database versions not stated): ExAC 0.00001; gnomAD exomes 0.00001 and 0.00002; TOPMed 0.00001; ESP Exome Variant Server 0.00008.
gnomAD v4.1: 25 of 1,614,184 alleles (0.0015%); highest among the groups gnomAD compares: Non-Finnish European, 0.002%; no homozygotes.

Submissions (3):

PreventionGenetics, part of Exact Sciences
Classification: Uncertain significance for WNK1-related condition. Last evaluated: 2025-10-16. Review status: criteria provided, single submitter. Criteria: ACMG Guidelines, 2015. Collection method: clinical testing. Allele origin: germline.
Comment: The WNK1 c.5002T>G variant is predicted to result in the amino acid substitution p.Ser1668Ala. To our knowledge, this variant has not been reported in the literature. This variant is reported in 0.00088% of alleles in individuals of European (non-Finnish) descent in gnomAD. At this time, the clinical significance of this variant is uncertain due to the absence of conclusive functional and genetic evidence.

Labcorp Genetics (formerly Invitae), Labcorp
Classification: Uncertain significance for Neuropathy, hereditary sensory and autonomic, type 2A; Pseudohypoaldosteronism type 2C. Last evaluated: 2024-01-01. Review status: criteria provided, single submitter. Criteria: Invitae Variant Classification Sherloc (09022015). Collection method: clinical testing. Allele origin: germline.
Comment: This sequence change replaces serine, which is neutral and polar, with alanine, which is neutral and non-polar, at codon 1920 of the WNK1 protein (p.Ser1920Ala). This variant is present in population databases (rs371813651, gnomAD 0.0009%). This variant has not been reported in the literature in individuals affected with WNK1-related conditions. ClinVar contains an entry for this variant (Variation ID: 939958). Advanced modeling of protein sequence and biophysical properties (such as structural, functional, and spatial information, amino acid conservation, physicochemical variation, residue mobility, and thermodynamic stability) performed at Invitae indicates that this missense variant is not expected to disrupt WNK1 protein function with a negative predictive value of 95%. In summary, the available evidence is currently insufficient to determine the role of this variant in disease. Therefore, it has been classified as a Variant of Uncertain Significance.

GeneDx
Classification: Uncertain significance. Last evaluated: 2020-07-06. Review status: criteria provided, single submitter. Criteria: GeneDx Variant Classification Process June 2021. Collection method: clinical testing. Allele origin: germline. Affected: yes.
Comment: Not observed at a significant frequency in large population cohorts (Lek et al., 2016); In silico analysis supports that this missense variant does not alter protein structure/function; Has not been previously published as pathogenic or benign to our knowledge